The following is an entry in ClinVar:

NM_003079.5(SMARCE1):c.1151A>G (p.Asp384Gly)

Gene: SMARCE1 (SWI/SNF related BAF chromatin remodeling complex subunit E1; minus strand). Cytogenetic location: 17q21.2.
Variant type: single nucleotide variant.
Coding change: c.1151A>G on transcript NM_003079.5 (MANE Select); coding-DNA position 1151, A replaced by G.
Protein change: p.Asp384Gly; replaces aspartic acid 384 with glycine.
Molecular consequence: missense variant.
Genome position (GRCh38, 1-based): chr17:40,628,870, T>C on the plus strand (A>G on the coding strand, the complement: SMARCE1 is on the minus strand). VCF-style: chr17-40628870-T-C. GRCh37 (hg19) VCF-style: chr17-38785122-T-C.
Other names: short protein forms D384G.
Identifiers: ClinVar variation 4864858 (VCV004864858.1).

ClinVar aggregate classification (germline): Uncertain significance (1 of 4 stars; one submission).

Conditions:
Hereditary cancer-predisposing syndrome. Also called: Neoplastic Syndromes, Hereditary; Tumor predisposition; Hereditary Cancer Syndrome; Hereditary neoplastic syndrome. Identifiers: Orphanet 140162, MedGen C0027672, MeSH D009386, MONDO:0015356.

Submission:

Ambry Genetics
Classification: Uncertain significance for Hereditary cancer-predisposing syndrome. Last evaluated: 2026-03-25. Review status: criteria provided, single submitter. Criteria: Ambry Variant Classification Scheme 2023. Collection method: clinical testing. Allele origin: germline.
Comment: The p.D384G variant (also known as c.1151A>G), located in coding exon 10 of the SMARCE1 gene, results from an A to G substitution at nucleotide position 1151. The aspartic acid at codon 384 is replaced by glycine, an amino acid with similar properties. This amino acid position is conserved. In addition, this alteration is predicted to be tolerated by in silico analysis. Based on the available evidence, the clinical significance of this variant remains unclear.